The following is an entry in ClinVar:

ClinVar aggregate classification (germline): Uncertain significance. Review status: criteria provided, multiple submitters, no conflicts (2 of 4 stars). 2 submissions from 2 submitters: Uncertain significance (2). Last evaluated 2024-04-30.

gnomAD v4.1: 2 of 1,614,040 alleles (0.00012%); highest among the groups gnomAD compares: African/African-American, 0.0013%; no homozygotes.

Submissions (2):

Women's Health and Genetics/Laboratory Corporation of America, LabCorp
Classification: Uncertain significance. Last evaluated: 2024-04-30. Review status: criteria provided, single submitter. Criteria: LabCorp Variant Classification Summary - May 2015. Collection method: clinical testing. Allele origin: germline.
Comment: Variant summary: COL4A1 c.1536A>G (p.Pro512Pro) alters a non-conserved nucleotide located close to a canonical splice site and therefore could affect mRNA splicing, leading to a significantly altered protein sequence. Consensus agreement among computation tools predict no significant impact on normal splicing. However, these predictions have yet to be confirmed by functional studies. The variant was absent in 251464 control chromosomes. The available data on variant occurrences in the general population are insufficient to allow any conclusion about variant significance. To our knowledge, no occurrence of c.1536A>G in individuals affected with Porencephaly 1 and no experimental evidence demonstrating its impact on protein function have been reported. ClinVar contains an entry for this variant (Variation ID: 2724721). Based on the evidence outlined above, the variant was classified as uncertain significance.

Labcorp Genetics (formerly Invitae), Labcorp
Classification: Uncertain significance. Last evaluated: 2023-12-19. Review status: criteria provided, single submitter. Criteria: Invitae Variant Classification Sherloc (09022015). Collection method: clinical testing. Allele origin: germline.
Comment: This sequence change affects codon 512 of the COL4A1 mRNA. It is a 'silent' change, meaning that it does not change the encoded amino acid sequence of the COL4A1 protein. It affects a nucleotide within the consensus splice site. This variant is not present in population databases (gnomAD no frequency). This variant has not been reported in the literature in individuals affected with COL4A1-related conditions. Algorithms developed to predict the effect of sequence changes on RNA splicing suggest that this variant is not likely to affect RNA splicing. In summary, the available evidence is currently insufficient to determine the role of this variant in disease. Therefore, it has been classified as a Variant of Uncertain Significance.

NM_001845.6(COL4A1):c.1536A>G (p.Pro512=)

Gene: COL4A1 (collagen type IV alpha 1 chain; minus strand). Cytogenetic location: 13q34.
Variant type: single nucleotide variant.
Coding change: c.1536A>G on transcript NM_001845.6 (MANE Select); coding-DNA position 1536, A replaced by G.
Protein change: p.Pro512=; no amino-acid change (proline 512 retained).
Molecular consequence: synonymous variant.
Genome position (GRCh38, 1-based): chr13:110,192,214, T>C on the plus strand (A>G on the coding strand, the complement: COL4A1 is on the minus strand). VCF-style: chr13-110192214-T-C. GRCh37 (hg19) VCF-style: chr13-110844561-T-C.
Other names: c.1536A>G, p.Pro512= (NM_001303110.2).
Identifiers: ClinVar variation 2724721 (VCV002724721.4), dbSNP rs1001741715, ClinGen allele CA256269093.
Genomic context (GRCh38, chr13:110,192,214, plus strand): 5'-CTGTCCACGTGCTTGGTGGCAACTTCTGATATGTACATGAACTCAGACAGGTTTACTTAC[T>C]GGCACTCCTGCAACACCATCTCTGCCAGGCAAACCTCTGTCGCCCTTGGCCCCTGGCTGC-3'
Protein context (NP_001836.3, residues 502-522): LPGRDGVAGV[Pro512=]GPQGTPGLIG